The following is an entry in ClinVar:

NM_005902.4(SMAD3):c.214G>C (p.Asp72His)

Gene: SMAD3 (SMAD family member 3; plus strand). Cytogenetic location: 15q22.33.
Variant type: single nucleotide variant.
Coding change: c.214G>C on transcript NM_005902.4 (MANE Select); coding-DNA position 214, G replaced by C.
Protein change: p.Asp72His; replaces aspartic acid 72 with histidine.
Molecular consequence: missense variant. On other transcripts: 5 prime UTR variant (1).
Genome position (GRCh38, 1-based): chr15:67,164,902, G>C. VCF-style: chr15-67164902-G-C. GRCh37 (hg19) VCF-style: chr15-67457240-G-C.
Other names: c.214G>C, p.Asp72His (NM_001407013.1, NM_001407011.1, NM_001407012.1); c.67G>C, p.Asp23His (NM_001407014.1); c.-102G>C (NM_001407015.1, NM_001407016.1, NM_001145102.2); c.82G>C, p.Asp28His (NM_001145103.2); short protein forms D28H, D72H, D23H.
Identifiers: ClinVar variation 1786726 (VCV001786726.2), dbSNP rs2505209140, ClinGen allele CA392953452.

ClinVar aggregate classification (germline): Uncertain significance (1 of 4 stars; one submission).

Conditions:
Familial thoracic aortic aneurysm and aortic dissection (TAAD). Also called: Thoracic aortic aneurysms and dissections. Identifiers: Orphanet 91387, MedGen C4707243, MONDO:0019625.

Submission:

Ambry Genetics
Classification: Uncertain significance for Familial thoracic aortic aneurysm and aortic dissection. Last evaluated: 2021-03-23. Review status: criteria provided, single submitter. Criteria: Ambry Variant Classification Scheme 2023. Collection method: clinical testing. Allele origin: germline.
Comment: The p.D72H variant (also known as c.214G>C), located in coding exon 2 of the SMAD3 gene, results from a G to C substitution at nucleotide position 214. The aspartic acid at codon 72 is replaced by histidine, an amino acid with similar properties. This amino acid position is highly conserved in available vertebrate species. In addition, this alteration is predicted to be deleterious by in silico analysis. Since supporting evidence is limited at this time, the clinical significance of this alteration remains unclear.